The following is an entry in ClinVar:

ClinVar aggregate classification (germline): Uncertain significance (1 of 4 stars; one submission).

Conditions:
Pityriasis rubra pilaris (PRP). Also called: Pityriasis rubra pilaris--familial type. Identifiers: Orphanet 2897, MedGen C0032027, MONDO:0100017, OMIM 173200, MONDO:0008251.
Psoriasis 2. Identifiers: MedGen C1864497, MONDO:0011269, OMIM 602723.

gnomAD v4.1: 2 of 1,614,118 alleles (0.00012%); highest among the groups gnomAD compares: East Asian, 0.0022%; no homozygotes.

Submission:

Labcorp Genetics (formerly Invitae), Labcorp
Classification: Uncertain significance for Pityriasis rubra pilaris; Psoriasis 2. Last evaluated: 2022-04-24. Review status: criteria provided, single submitter. Criteria: Invitae Variant Classification Sherloc (09022015). Collection method: clinical testing. Allele origin: germline.
Comment: This sequence change replaces glycine, which is neutral and non-polar, with arginine, which is basic and polar, at codon 84 of the CARD14 protein (p.Gly84Arg). This variant is present in population databases (no rsID available, gnomAD no frequency). This variant has not been reported in the literature in individuals affected with CARD14-related conditions. Algorithms developed to predict the effect of missense changes on protein structure and function are either unavailable or do not agree on the potential impact of this missense change (SIFT: "Deleterious"; PolyPhen-2: "Probably Damaging"; Align-GVGD: "Class C15"). In summary, the available evidence is currently insufficient to determine the role of this variant in disease. Therefore, it has been classified as a Variant of Uncertain Significance.

NM_001366385.1(CARD14):c.250G>C (p.Gly84Arg)

Gene: CARD14 (caspase recruitment domain family member 14; plus strand). Cytogenetic location: 17q25.3.
Variant type: single nucleotide variant.
Coding change: c.250G>C on transcript NM_001366385.1 (MANE Select); coding-DNA position 250, G replaced by C.
Protein change: p.Gly84Arg; replaces glycine 84 with arginine.
Molecular consequence: missense variant. On other transcripts: non-coding transcript variant (1).
Genome position (GRCh38, 1-based): chr17:80,182,691, G>C. VCF-style: chr17-80182691-G-C. GRCh37 (hg19) VCF-style: chr17-78156490-G-C.
Other names: c.250G>C, p.Gly84Arg (NM_001257970.1, NM_024110.4); short protein forms G84R.
Identifiers: ClinVar variation 1487991 (VCV001487991.6), dbSNP rs193262780, ClinGen allele CA401332625.